The following is an entry in ClinVar:

ClinVar aggregate classification (germline): Uncertain significance (1 of 4 stars; one submission).

Allele frequency attached by ClinVar (database versions not stated): gnomAD exomes 0.00002; gnomAD 0.00004; TOPMed 0.00005; ExAC 0.00008; ESP Exome Variant Server 0.00008.
gnomAD v4.1: 39 of 1,612,156 alleles (0.0024%); highest among the groups gnomAD compares: African/African-American, 0.016%; no homozygotes.

Submission:

Labcorp Genetics (formerly Invitae), Labcorp
Classification: Uncertain significance. Last evaluated: 2024-04-22. Review status: criteria provided, single submitter. Criteria: Invitae Variant Classification Sherloc (09022015). Collection method: clinical testing. Allele origin: germline.
Comment: This sequence change replaces arginine, which is basic and polar, with glutamine, which is neutral and polar, at codon 1641 of the CAMTA1 protein (p.Arg1641Gln). This variant is present in population databases (rs369220323, gnomAD 0.02%). This variant has not been reported in the literature in individuals affected with CAMTA1-related conditions. An algorithm developed to predict the effect of missense changes on protein structure and function (PolyPhen-2) suggests that this variant is likely to be disruptive. In summary, the available evidence is currently insufficient to determine the role of this variant in disease. Therefore, it has been classified as a Variant of Uncertain Significance.

NM_015215.4(CAMTA1):c.4922G>A (p.Arg1641Gln)

Gene: CAMTA1 (calmodulin binding transcription activator 1; plus strand). Cytogenetic location: 1p36.23.
Variant type: single nucleotide variant.
Coding change: c.4922G>A on transcript NM_015215.4 (MANE Select); coding-DNA position 4922, G replaced by A.
Protein change: p.Arg1641Gln; replaces arginine 1641 with glutamine.
Molecular consequence: missense variant.
Genome position (GRCh38, 1-based): chr1:7,752,497, G>A. VCF-style: chr1-7752497-G-A. GRCh37 (hg19) VCF-style: chr1-7812557-G-A.
Other names: c.4832G>A, p.Arg1611Gln (NM_001349608.2); c.4604G>A, p.Arg1535Gln (NM_001349609.2); c.4598G>A, p.Arg1533Gln (NM_001349610.2); c.4514G>A, p.Arg1505Gln (NM_001349612.2); c.2051G>A, p.Arg684Gln (NM_001349613.1); c.2015G>A, p.Arg672Gln (NM_001349614.1, NM_001349615.2, NM_001349616.2); c.1994G>A, p.Arg665Gln (NM_001349617.1, NM_001349618.2); c.1676G>A, p.Arg559Gln (NM_001349619.2, NM_001349620.1, NM_001349621.1 and 1 more transcripts); and 3 more; short protein forms R552Q, R559Q, R684Q, R1533Q, R672Q, R1504Q, R1505Q, R1528Q.
Identifiers: ClinVar variation 2978981 (VCV002978981.3), dbSNP rs369220323, ClinGen allele CA567285.